The following is an entry in ClinVar:

NM_000260.4(MYO7A):c.1534GAG[1] (p.Glu513del)

Gene: MYO7A (myosin VIIA; plus strand). Cytogenetic location: 11q13.5.
Variant type: Microsatellite.
Coding change: c.1534GAG[1] on transcript NM_000260.4 (MANE Select); one copy of the 3-base unit GAG starting at c.1534; the reference has two copies in a row; one copy, 3 bases deleted.
Protein change: p.Glu513del; deletes glutamic acid 513.
Genome position (GRCh38, 1-based): chr11:77,162,313-77,162,315, GAG deleted; deleting any 3 consecutive bases within chr11:77,162,310-77,162,315 gives the same sequence; the position shown is the placement nearest the transcript's 3' end. VCF-style (leftmost placement, unchanged base first): chr11-77162309-TGAG-T. GRCh37 (hg19) VCF-style: chr11-76873355-TGAG-T.
Other names: c.1534GAG[1], p.Glu513del (NM_001127180.2); c.1501GAG[1], p.Glu502del (NM_001369365.1); short protein forms E502del, E513del.
Identifiers: ClinVar variation 3653510 (VCV003653510.2).

ClinVar aggregate classification (germline): Uncertain significance (1 of 4 stars; one submission).

Submission:

Labcorp Genetics (formerly Invitae), Labcorp
Classification: Uncertain significance. Last evaluated: 2024-05-22. Review status: criteria provided, single submitter. Criteria: Invitae Variant Classification Sherloc (09022015). Collection method: clinical testing. Allele origin: germline.
Comment: This variant, c.1537_1539del, results in the deletion of 1 amino acid(s) of the MYO7A protein (p.Glu513del), but otherwise preserves the integrity of the reading frame. This variant is not present in population databases (gnomAD no frequency). This variant has not been reported in the literature in individuals affected with MYO7A-related conditions. Experimental studies and prediction algorithms are not available or were not evaluated, and the functional significance of this variant is currently unknown. In summary, the available evidence is currently insufficient to determine the role of this variant in disease. Therefore, it has been classified as a Variant of Uncertain Significance.